The following is an entry in ClinVar:

NM_000089.4(COL1A2):c.891+4A>G

Gene: COL1A2 (collagen type I alpha 2 chain; plus strand). Cytogenetic location: 7q21.3.
Variant type: single nucleotide variant.
Coding change: c.891+4A>G on transcript NM_000089.4 (MANE Select); 4 bases into the intron after coding-DNA position 891, A replaced by G.
Molecular consequence: intron variant.
Genome position (GRCh38, 1-based): chr7:94,409,424, A>G. VCF-style: chr7-94409424-A-G. GRCh37 (hg19) VCF-style: chr7-94038736-A-G.
Identifiers: ClinVar variation 2927061 (VCV002927061.4), dbSNP rs984226405, ClinGen allele CA162919804.
Genomic context (GRCh38, chr7:94,409,424, plus strand): 5'-GCCGGTCCCCGTGGTGAAGTGGGTCTTCCAGGCCTCTCCGGCCCCGTTGGACCTCCTGTA[A>G]GTAGCCACTGTCTTTAAACTTTATTGAGTAAAAGAAAACAAAGGTGGAGTATGGGGAAGA-3'

ClinVar aggregate classification (germline): Uncertain significance. Review status: criteria provided, multiple submitters, no conflicts (2 of 4 stars). 2 submissions from 2 submitters: Uncertain significance (2). Last evaluated 2025-12-23.

Conditions:
Osteogenesis imperfecta type I (OI1). Also called: Lobstein disease; OI, TYPE I; OSTEOGENESIS IMPERFECTA TARDA; OSTEOGENESIS IMPERFECTA WITH BLUE SCLERAE; Osteogenesis imperfecta type 1; Lobstein's Disease. Identifiers: Orphanet 216796, Orphanet 666, MedGen C0023931, MONDO:0008146, OMIM 166200. Disease mechanism: loss of function.
Ehlers-Danlos syndrome, classic type, 1 (EDSCL1). Also called: EDS I; EHLERS-DANLOS SYNDROME, GRAVIS TYPE; EHLERS-DANLOS SYNDROME, SEVERE CLASSIC TYPE; Ehlers-Danlos syndrome, type 1; Ehlers-Danlos Syndrome, Classic Type, COL5A1-Related. Identifiers: MedGen C0268335, MONDO:0019567, OMIM 130000.

Allele frequency attached by ClinVar (database versions not stated): TOPMed 0.00001; gnomAD 0.00001.
gnomAD v4.1: 60 of 1,613,932 alleles (0.0037%); highest among the groups gnomAD compares: Non-Finnish European, 0.0051%; no homozygotes.

Submissions (2):

Labcorp Genetics (formerly Invitae), Labcorp
Classification: Uncertain significance for Osteogenesis imperfecta type I; Ehlers-Danlos syndrome, classic type, 1. Last evaluated: 2025-12-23. Review status: criteria provided, single submitter. Criteria: Invitae Variant Classification Sherloc (09022015). Collection method: clinical testing. Allele origin: germline.
Comment: This sequence change falls in intron 17 of the COL1A2 gene. It does not directly change the encoded amino acid sequence of the COL1A2 protein. It affects a nucleotide within the consensus splice site. This variant is present in population databases (no rsID available, gnomAD 0.003%). This variant has not been reported in the literature in individuals affected with COL1A2-related conditions. ClinVar contains an entry for this variant (Variation ID: 2927061). Variants that disrupt the consensus splice site are a relatively common cause of aberrant splicing (PMID: 17576681, 9536098). Algorithms developed to predict the effect of sequence changes on RNA splicing suggest that this variant may create or strengthen a splice site. In summary, the available evidence is currently insufficient to determine the role of this variant in disease. Therefore, it has been classified as a Variant of Uncertain Significance.

GeneDx
Classification: Uncertain significance. Last evaluated: 2023-12-06. Review status: criteria provided, single submitter. Criteria: GeneDx Variant Classification Process June 2021. Collection method: clinical testing. Allele origin: germline. Affected: yes.
Comment: Not observed at significant frequency in large population cohorts (gnomAD); In silico analysis supports a deleterious effect on splicing; Has not been previously published as pathogenic or benign to our knowledge

Literature cited by the submitters: PubMed 17576681 (cited by Labcorp Genetics (formerly Invitae), Labcorp); PubMed 9536098 (cited by Labcorp Genetics (formerly Invitae), Labcorp).